The following is an entry in ClinVar:

ClinVar aggregate classification (germline): Pathogenic (1 of 4 stars; one submission).

Submission:

Labcorp Genetics (formerly Invitae), Labcorp
Classification: Pathogenic. Last evaluated: 2023-08-30. Review status: criteria provided, single submitter. Criteria: Invitae Variant Classification Sherloc (09022015). Collection method: clinical testing. Allele origin: germline.
Comment: This sequence change affects an acceptor splice site in intron 7 of the LRP5 gene. It is expected to disrupt RNA splicing. Variants that disrupt the donor or acceptor splice site typically lead to a loss of protein function (PMID: 16199547), and loss-of-function variants in LRP5 are known to be pathogenic (PMID: 11719191, 16252235, 25711638). For these reasons, this variant has been classified as Pathogenic. Algorithms developed to predict the effect of sequence changes on RNA splicing suggest that this variant may disrupt the consensus splice site. Disruption of this splice site has been observed in individual(s) with clinical features of exudative vitreoretinopathy (external communication). This variant is not present in population databases (gnomAD no frequency).

Literature cited by the submitters: PubMed 16199547; PubMed 11719191; PubMed 16252235; PubMed 25711638.

NM_002335.4(LRP5):c.1585-2A>C

Gene: LRP5 (LDL receptor related protein 5; plus strand). Cytogenetic location: 11q13.2.
Variant type: single nucleotide variant.
Coding change: c.1585-2A>C on transcript NM_002335.4 (MANE Select); the canonical splice acceptor site of the intron before coding-DNA position 1585, A replaced by C.
Molecular consequence: splice acceptor variant.
Genome position (GRCh38, 1-based): chr11:68,403,481, A>C. VCF-style: chr11-68403481-A-C. GRCh37 (hg19) VCF-style: chr11-68170949-A-C.
Other names: c.-353-2A>C (NM_001291902.2).
Identifiers: ClinVar variation 2779654 (VCV002779654.3), dbSNP rs779303324, ClinGen allele CA381614079.
Genomic context (GRCh38, chr11:68,403,481, plus strand): 5'-CGGGTTGGCTCTCGTTGGTGTGGCCCTGGCCCATCCAGACCTATATTTCTGCCGTCCTGC[A>C]GGTGATCAATGTTGATGGGACGAAGAGGCGGACCCTCCTGGAGGACAAGCTCCCGCACAT-3'